The following is an entry in ClinVar:

NM_017534.6(MYH2):c.5014G>A (p.Asp1672Asn)

Genes: MYH2 (myosin heavy chain 2; minus strand), MYHAS (myosin heavy chain gene cluster antisense RNA; plus strand), LOC126862500 (BRD4-independent group 4 enhancer GRCh37_chr17:10427829-10429028; plus strand). Cytogenetic location: 17p13.1.
Variant type: single nucleotide variant.
Coding change: c.5014G>A on transcript NM_017534.6 (MANE Select); coding-DNA position 5014, G replaced by A.
Protein change: p.Asp1672Asn; replaces aspartic acid 1672 with asparagine.
Molecular consequence: missense variant.
Genome position (GRCh38, 1-based): chr17:10,524,627, C>T on the plus strand (G>A on the coding strand, the complement: MYH2 is on the minus strand). VCF-style: chr17-10524627-C-T. GRCh37 (hg19) VCF-style: chr17-10427944-C-T.
Other names: c.5014G>A, p.Asp1672Asn (NM_001100112.2); short protein forms D1672N.
Identifiers: ClinVar variation 1435534 (VCV001435534.8), dbSNP rs1204274669, ClinGen allele CA398119913.

ClinVar aggregate classification (germline): Uncertain significance (1 of 4 stars; one submission).

Conditions:
Myopathy, proximal, and ophthalmoplegia (CMYO6). Also called: CONGENITAL MYOPATHY 6 WITH OPHTHALMOPLEGIA; MYOPATHY WITH CONGENITAL JOINT CONTRACTURES, OPHTHALMOPLEGIA, AND RIMMED VACUOLES; INCLUSION BODY MYOPATHY 3, AUTOSOMAL DOMINANT. Identifiers: Orphanet 363677, Orphanet 79091, MedGen C1854106, MONDO:0011577, OMIM 605637.

Allele frequency attached by ClinVar (database versions not stated): gnomAD exomes below 0.00001; TOPMed 0.00002.
gnomAD v4.1: 4 of 1,614,236 alleles (0.00025%); highest among the groups gnomAD compares: Non-Finnish European, 0.00034%; no homozygotes.

Submission:

Labcorp Genetics (formerly Invitae), Labcorp
Classification: Uncertain significance for Myopathy, proximal, and ophthalmoplegia. Last evaluated: 2021-03-10. Review status: criteria provided, single submitter. Criteria: Invitae Variant Classification Sherloc (09022015). Collection method: clinical testing. Allele origin: germline.
Comment: In summary, the available evidence is currently insufficient to determine the role of this variant in disease. Therefore, it has been classified as a Variant of Uncertain Significance. This sequence change replaces aspartic acid with asparagine at codon 1672 of the MYH2 protein (p.Asp1672Asn). The aspartic acid residue is highly conserved and there is a small physicochemical difference between aspartic acid and asparagine. This variant is not present in population databases (ExAC no frequency). This variant has not been reported in the literature in individuals with MYH2-related conditions. Algorithms developed to predict the effect of missense changes on protein structure and function are either unavailable or do not agree on the potential impact of this missense change (SIFT: "Deleterious"; PolyPhen-2: "Possibly Damaging"; Align-GVGD: "Class C15").